The following is an entry in ClinVar:

NM_000628.5(IL10RB):c.568C>G (p.Gln190Glu)

Genes: IFNAR2-IL10RB (IFNAR2-IL10RB readthrough; plus strand), IL10RB (interleukin 10 receptor subunit beta; plus strand). Cytogenetic location: 21q22.11.
Variant type: single nucleotide variant.
Coding change: c.568C>G on transcript NM_000628.5 (MANE Select); coding-DNA position 568, C replaced by G.
Protein change: p.Gln190Glu; replaces glutamine 190 with glutamic acid.
Molecular consequence: missense variant. On other transcripts: non-coding transcript variant (1).
Genome position (GRCh38, 1-based): chr21:33,283,163, C>G. VCF-style: chr21-33283163-C-G. GRCh37 (hg19) VCF-style: chr21-34655468-C-G.
Other names: c.1228C>G, p.Gln410Glu (NM_001414505.1); c.568C>G, p.Gln190Glu (NM_001405849.1, NM_001405850.1, NM_001406840.1); short protein forms Q190E, Q410E.
Identifiers: ClinVar variation 2183608 (VCV002183608.1), dbSNP rs745768314, ClinGen allele CA10006165.
Genomic context (GRCh38, chr21:33,283,163, plus strand): 5'-ACTCCCCAGTATGACTTTGAGGTCCTCAGAAACCTGGAGCCATGGACAACTTATTGTGTT[C>G]AAGTTCGAGGGTTTCTTCCTGATCGGAACAAAGCTGGGGAATGGAGTGAGCCTGTCTGTG-3'
Protein context (NP_000619.3, residues 180-200): NLEPWTTYCV[Gln190Glu]VRGFLPDRNK

ClinVar aggregate classification (germline): Uncertain significance (1 of 4 stars; one submission).

Conditions:
Inflammatory bowel disease 25. Also called: Inflammatory bowel disease 25, early onset, autosomal recessive. Identifiers: Orphanet 238569, MedGen C2675508, MONDO:0012941, OMIM 612567.

Allele frequency attached by ClinVar (database versions not stated): gnomAD 0.00001; gnomAD exomes 0.00002; ExAC 0.00006.
gnomAD v4.1: 34 of 1,613,994 alleles (0.0021%); highest among the groups gnomAD compares: South Asian, 0.032%; no homozygotes.

Submission:

Labcorp Genetics (formerly Invitae), Labcorp
Classification: Uncertain significance for Inflammatory bowel disease 25. Last evaluated: 2021-12-18. Review status: criteria provided, single submitter. Criteria: Invitae Variant Classification Sherloc (09022015). Collection method: clinical testing. Allele origin: germline.
Comment: This sequence change replaces glutamine, which is neutral and polar, with glutamic acid, which is acidic and polar, at codon 190 of the IL10RB protein (p.Gln190Glu). This variant is present in population databases (rs745768314, gnomAD 0.04%). This variant has not been reported in the literature in individuals affected with IL10RB-related conditions. Algorithms developed to predict the effect of missense changes on protein structure and function are either unavailable or do not agree on the potential impact of this missense change (SIFT: "Tolerated"; PolyPhen-2: "Possibly Damaging"; Align-GVGD: "Class C0"). In summary, the available evidence is currently insufficient to determine the role of this variant in disease. Therefore, it has been classified as a Variant of Uncertain Significance.